The following is an entry in ClinVar:

NM_152617.4(RNF168):c.994C>T (p.Arg332Ter)

Gene: RNF168 (ring finger protein 168; minus strand). Cytogenetic location: 3q29.
Variant type: single nucleotide variant.
Coding change: c.994C>T on transcript NM_152617.4 (MANE Select); coding-DNA position 994, C replaced by T.
Protein change: p.Arg332Ter; replaces arginine 332 with a stop codon.
Molecular consequence: nonsense.
Genome position (GRCh38, 1-based): chr3:196,472,541, G>A on the plus strand (C>T on the coding strand, the complement: RNF168 is on the minus strand). VCF-style: chr3-196472541-G-A. GRCh37 (hg19) VCF-style: chr3-196199412-G-A.
Other names: short protein forms R332*.
Identifiers: ClinVar variation 1907142 (VCV001907142.5), dbSNP rs1732036148, ClinGen allele CA355617646.

ClinVar aggregate classification (germline): Pathogenic (1 of 4 stars; one submission).

Allele frequency attached by ClinVar (database versions not stated): TOPMed below 0.00001; gnomAD 0.00001; gnomAD exomes 0.00002.
gnomAD v4.1: 33 of 1,614,050 alleles (0.002%); highest among the groups gnomAD compares: Non-Finnish European, 0.0025%; no homozygotes.

Submission:

Labcorp Genetics (formerly Invitae), Labcorp
Classification: Pathogenic. Last evaluated: 2022-09-23. Review status: criteria provided, single submitter. Criteria: Invitae Variant Classification Sherloc (09022015). Collection method: clinical testing. Allele origin: germline.
Comment: For these reasons, this variant has been classified as Pathogenic. This variant disrupts a region of the RNF168 protein in which other variant(s) (p.Gln442Lysfs*45) have been determined to be pathogenic (PMID: 17940005, 19203578). This suggests that this is a clinically significant region of the protein, and that variants that disrupt it are likely to be disease-causing. This variant has not been reported in the literature in individuals affected with RNF168-related conditions. This variant is not present in population databases (gnomAD no frequency). This sequence change creates a premature translational stop signal (p.Arg332*) in the RNF168 gene. While this is not anticipated to result in nonsense mediated decay, it is expected to disrupt the last 240 amino acid(s) of the RNF168 protein.

Literature cited by the submitters: PubMed 17940005; PubMed 19203578.